The following is an entry in ClinVar:

ClinVar aggregate classification (germline): Uncertain significance. Review status: criteria provided, multiple submitters, no conflicts (2 of 4 stars). 2 submissions from 2 submitters: Uncertain significance (2). Last evaluated 2025-12-08.

Conditions:
LZTR1-related schwannomatosis. Also called: Schwannomatosis 2; Schwannomatosis-2, susceptibility to. Identifiers: Orphanet 93921, MedGen C3810283, MONDO:0014299, OMIM 615670.

Submissions (2):

Labcorp Genetics (formerly Invitae), Labcorp
Classification: Uncertain significance. Last evaluated: 2025-12-08. Review status: criteria provided, single submitter. Criteria: Invitae Variant Classification Sherloc (09022015). Collection method: clinical testing. Allele origin: germline.
Comment: This sequence change replaces serine, which is neutral and polar, with threonine, which is neutral and polar, at codon 328 of the LZTR1 protein (p.Ser328Thr). This variant is not present in population databases (gnomAD no frequency). This variant has not been reported in the literature in individuals affected with LZTR1-related conditions. ClinVar contains an entry for this variant (Variation ID: 3241856). Invitae Evidence Modeling of protein sequence and biophysical properties (such as structural, functional, and spatial information, amino acid conservation, physicochemical variation, residue mobility, and thermodynamic stability) indicates that this missense variant is not expected to disrupt LZTR1 protein function with a negative predictive value of 80%. In summary, the available evidence is currently insufficient to determine the role of this variant in disease. Therefore, it has been classified as a Variant of Uncertain Significance.

Baylor Genetics
Classification: Uncertain significance for LZTR1-related schwannomatosis. Last evaluated: 2024-02-26. Review status: criteria provided, single submitter. Criteria: ACMG Guidelines, 2015. Collection method: clinical testing. Allele origin: unknown.

NM_006767.4(LZTR1):c.982T>A (p.Ser328Thr)

Gene: LZTR1 (leucine zipper like post translational regulator 1; plus strand). Cytogenetic location: 22q11.21.
Variant type: single nucleotide variant.
Coding change: c.982T>A on transcript NM_006767.4 (MANE Select); coding-DNA position 982, T replaced by A.
Protein change: p.Ser328Thr; replaces serine 328 with threonine.
Molecular consequence: missense variant.
Genome position (GRCh38, 1-based): chr22:20,991,818, T>A. VCF-style: chr22-20991818-T-A. GRCh37 (hg19) VCF-style: chr22-21346107-T-A.
Other names: short protein forms S328T.
Identifiers: ClinVar variation 3241856 (VCV003241856.3), dbSNP rs2518617385.